The following is an entry in ClinVar:

NM_000053.4(ATP7B):c.2958C>T (p.Ser986=)

Gene: ATP7B (ATPase copper transporting beta; minus strand). Cytogenetic location: 13q14.3.
Variant type: single nucleotide variant.
Coding change: c.2958C>T on transcript NM_000053.4 (MANE Select); coding-DNA position 2958, C replaced by T.
Protein change: p.Ser986=; no amino-acid change (serine 986 retained).
Molecular consequence: synonymous variant.
Genome position (GRCh38, 1-based): chr13:51,946,386, G>A on the plus strand (C>T on the coding strand, the complement: ATP7B is on the minus strand). VCF-style: chr13-51946386-G-A. GRCh37 (hg19) VCF-style: chr13-52520522-G-A.
Other names: c.2724C>T, p.Ser908= (NM_001330578.2); c.2706C>T, p.Ser902= (NM_001330579.2); c.2337C>T, p.Ser779= (NM_001005918.3); c.2625C>T, p.Ser875= (NM_001243182.2).
Identifiers: ClinVar variation 1097932 (VCV001097932.10), dbSNP rs2139056946, ClinGen allele CA483894954.
Genomic context (GRCh38, chr13:51,946,386, plus strand): 5'-GCCGTTCTGCGCGGCCACCCCGGTGCCCACCATGACAGCCGTGGGCGTGGCCAGCCCCAG[G>A]GAGCAGGGGCAGGCAATGCACAGCACCGTGATGGACGTCTGGAAAGCAAACCGGATGATC-3'
Protein context (NP_000044.2, residues 976-996): ITVLCIACPC[Ser986=]LGLATPTAVM

ClinVar aggregate classification (germline): Likely benign. Review status: criteria provided, multiple submitters, no conflicts (2 of 4 stars). 2 submissions from 2 submitters: Likely benign (2). Last evaluated 2024-04-16.

Conditions:
Wilson disease (WND). Also called: Wilson's disease. Identifiers: Orphanet 905, MedGen C0019202, MONDO:0010200, OMIM 277900. Disease mechanism: loss of function.

Submissions (2):

All of Us Research Program, National Institutes of Health
Classification: Likely benign for Wilson disease. Last evaluated: 2024-04-16. Review status: criteria provided, single submitter. Criteria: ACMG Guidelines, 2015. Collection method: clinical testing. Allele origin: germline. Inheritance: Autosomal recessive inheritance. Observed: 1 variant allele, 1 heterozygote.
Comment: This study involves interpretation of variants in research participants for the purpose of population health screening. Participant phenotype was not available at the time of variant classification. Additional details can be found in publication PMID: 35346344, PMCID: PMC8962531

Labcorp Genetics (formerly Invitae), Labcorp
Classification: Likely benign for Wilson disease. Last evaluated: 2020-10-28. Review status: criteria provided, single submitter. Criteria: Invitae Variant Classification Sherloc (09022015). Collection method: clinical testing. Allele origin: germline.